The following is an entry in ClinVar:

ClinVar aggregate classification (germline): Uncertain significance (1 of 4 stars; one submission).

Conditions:
Fanconi anemia complementation group J. Also called: BRIP1-Related Fanconi Anemia. Identifiers: Orphanet 84, MedGen C1836860, MONDO:0012187, OMIM 609054.
Familial cancer of breast. Also called: BREAST CANCER, FAMILIAL; Hereditary breast cancer; hereditary breast carcinoma. Identifiers: Orphanet 227535, MedGen C0346153, MONDO:0016419, OMIM 114480. Disease mechanism: loss of function.

gnomAD v4.1: 1 of 1,611,216 alleles (0.000062%); highest among the groups gnomAD compares: South Asian, 0.0011%; no homozygotes.

Submission:

Labcorp Genetics (formerly Invitae), Labcorp
Classification: Uncertain significance for Familial cancer of breast; Fanconi anemia complementation group J. Last evaluated: 2024-11-27. Review status: criteria provided, single submitter. Criteria: Invitae Variant Classification Sherloc (09022015). Collection method: clinical testing. Allele origin: germline.
Comment: This sequence change replaces aspartic acid, which is acidic and polar, with valine, which is neutral and non-polar, at codon 127 of the BRIP1 protein (p.Asp127Val). This variant is not present in population databases (gnomAD no frequency). This variant has not been reported in the literature in individuals affected with BRIP1-related conditions. Invitae Evidence Modeling of protein sequence and biophysical properties (such as structural, functional, and spatial information, amino acid conservation, physicochemical variation, residue mobility, and thermodynamic stability) indicates that this missense variant is not expected to disrupt BRIP1 protein function with a negative predictive value of 95%. In summary, the available evidence is currently insufficient to determine the role of this variant in disease. Therefore, it has been classified as a Variant of Uncertain Significance.

NM_032043.3(BRIP1):c.380A>T (p.Asp127Val)

Gene: BRIP1 (BRCA1 interacting DNA helicase 1; minus strand). Cytogenetic location: 17q23.2.
Variant type: single nucleotide variant.
Coding change: c.380A>T on transcript NM_032043.3 (MANE Select); coding-DNA position 380, A replaced by T.
Protein change: p.Asp127Val; replaces aspartic acid 127 with valine.
Molecular consequence: missense variant.
Genome position (GRCh38, 1-based): chr17:61,849,256, T>A on the plus strand (A>T on the coding strand, the complement: BRIP1 is on the minus strand). VCF-style: chr17-61849256-T-A. GRCh37 (hg19) VCF-style: chr17-59926617-T-A.
Other names: short protein forms D127V.
Identifiers: ClinVar variation 3759037 (VCV003759037.2).